The following is an entry in ClinVar:

ClinVar aggregate classification (germline): Pathogenic (1 of 4 stars; one submission).

Conditions:
Neurofibromatosis, type 1 (NF1). Also called: VON RECKLINGHAUSEN DISEASE; Peripheral type neurofibromatosis; NEUROFIBROMATOSIS, TYPE I, SOMATIC; Neurofibromatosis, type I. Identifiers: Orphanet 636, MedGen C0027831, MONDO:0018975, OMIM 162200. Disease mechanism: loss of function.

Submission:

Labcorp Genetics (formerly Invitae), Labcorp
Classification: Pathogenic for Neurofibromatosis, type 1. Last evaluated: 2025-09-27. Review status: criteria provided, single submitter. Criteria: Invitae Variant Classification Sherloc (09022015). Collection method: clinical testing. Allele origin: germline.
Comment: This sequence change creates a premature translational stop signal (p.Glu1333*) in the NF1 gene. It is expected to result in an absent or disrupted protein product. Loss-of-function variants in NF1 are known to be pathogenic (PMID: 10712197, 23913538). This variant is not present in population databases (gnomAD no frequency). This premature translational stop signal has been observed in individual(s) with neurofibromatosis type 1 (PMID: 25074460). For these reasons, this variant has been classified as Pathogenic.

Literature cited by the submitters: PubMed 10712197; PubMed 23913538; PubMed 25074460.

NM_001042492.3(NF1):c.3997G>T (p.Glu1333Ter)

Gene: NF1 (neurofibromin 1; plus strand). Cytogenetic location: 17q11.2.
Variant type: single nucleotide variant.
Coding change: c.3997G>T on transcript NM_001042492.3 (MANE Select); coding-DNA position 3997, G replaced by T.
Protein change: p.Glu1333Ter; replaces glutamic acid 1333 with a stop codon.
Molecular consequence: nonsense.
Genome position (GRCh38, 1-based): chr17:31,249,006, G>T. VCF-style: chr17-31249006-G-T. GRCh37 (hg19) VCF-style: chr17-29576024-G-T.
Other names: c.3997G>T, p.Glu1333Ter (NM_000267.4); short protein forms E1333*.
Identifiers: ClinVar variation 4710354 (VCV004710354.1).